The following is an entry in ClinVar:

NM_005726.6(TSFM):c.775C>T (p.His259Tyr)

Gene: TSFM (Ts translation elongation factor, mitochondrial; plus strand). Cytogenetic location: 12q14.1.
Variant type: single nucleotide variant.
Coding change: c.775C>T on transcript NM_005726.6 (MANE Select); coding-DNA position 775, C replaced by T.
Protein change: p.His259Tyr; replaces histidine 259 with tyrosine.
Molecular consequence: missense variant. On other transcripts: 3 prime UTR variant (1), intron variant (1).
Genome position (GRCh38, 1-based): chr12:57,796,380, C>T. VCF-style: chr12-57796380-C-T. GRCh37 (hg19) VCF-style: chr12-58190163-C-T.
Other names: c.*183C>T (NM_001172695.2); c.838C>T, p.His280Tyr (NM_001172696.2); c.571+3307C>T (NM_001172697.2); short protein forms H259Y, H280Y.
Identifiers: ClinVar variation 2156205 (VCV002156205.4), dbSNP rs2540965452, ClinGen allele CA385531134.

ClinVar aggregate classification (germline): Uncertain significance (1 of 4 stars; one submission).

Submission:

Labcorp Genetics (formerly Invitae), Labcorp
Classification: Uncertain significance. Last evaluated: 2022-03-11. Review status: criteria provided, single submitter. Criteria: Invitae Variant Classification Sherloc (09022015). Collection method: clinical testing. Allele origin: germline.
Comment: In summary, the available evidence is currently insufficient to determine the role of this variant in disease. Therefore, it has been classified as a Variant of Uncertain Significance. Algorithms developed to predict the effect of missense changes on protein structure and function are either unavailable or do not agree on the potential impact of this missense change (SIFT: "Deleterious"; PolyPhen-2: "Probably Damaging"; Align-GVGD: "Class C0"). This variant has not been reported in the literature in individuals affected with TSFM-related conditions. This variant is not present in population databases (gnomAD no frequency). This sequence change replaces histidine, which is basic and polar, with tyrosine, which is neutral and polar, at codon 280 of the TSFM protein (p.His280Tyr).